The following is an entry in ClinVar:

NM_001387263.1(PATL2):c.91_93del (p.Glu31del)

Gene: PATL2 (PAT1 homolog 2; minus strand). Cytogenetic location: 15q21.1.
Variant type: Deletion.
Coding change: c.91_93del on transcript NM_001387263.1 (MANE Select); coding-DNA positions 91 to 93, 3 bases deleted (GAG; older notation c.91_93delGAG).
Protein change: p.Glu31del; deletes glutamic acid 31.
Molecular consequence: inframe deletion. On other transcripts: intron variant (1).
Genome position (GRCh38, 1-based): chr15:44,675,615-44,675,617, CTC deleted on the plus strand (GAG on the coding strand, the reverse complement: PATL2 is on the minus strand). VCF-style (leftmost placement, unchanged base first): chr15-44675614-TCTC-T. GRCh37 (hg19) VCF-style: chr15-44967812-TCTC-T.
Other names: c.91_93del, p.Glu31del (NM_001145112.2, NM_001387260.1, NM_001387261.1 and 2 more transcripts); c.-467+858_-467+860del (NM_001330283.2); short protein forms E31del.
Identifiers: ClinVar variation 5005410 (VCV005005410.2).

ClinVar aggregate classification (germline): Uncertain significance (1 of 4 stars; one submission).

Conditions:
Oocyte maturation defect 4. Also called: OOCYTE/ZYGOTE/EMBRYO MATURATION ARREST 4. Identifiers: MedGen C4540284, MONDO:0021575, OMIM 617743.

Submission:

Juno Genomics, Hangzhou Juno Genomics, Inc
Classification: Uncertain significance for Oocyte maturation defect 4. Review status: criteria provided, single submitter. Criteria: ACMG Guidelines, 2015. Collection method: clinical testing. Allele origin: germline.
Comment: Absent from controls (or at extremely low frequency if recessive) in Genome Aggregation Database.;Protein length changes due to in-frame deletions/insertions in a non-repeat region or stop-loss variants.